The following is an entry in ClinVar:

ClinVar aggregate classification (germline): Benign/Likely benign. Review status: criteria provided, multiple submitters, no conflicts (2 of 4 stars). 11 submissions from 11 submitters: Benign (3); Likely benign (6). 2 of the submissions do not count toward it. Last evaluated 2026-09-01.

Conditions:
Cornelia de Lange syndrome 3 (CDLS3). Also called: CORNELIA DE LANGE SYNDROME 3 WITH OR WITHOUT MIDLINE BRAIN DEFECTS; SMC3-Related Cornelia de Lange Syndrome. Identifiers: Orphanet 199, MedGen C1853099, MONDO:0012555, OMIM 610759.

Allele frequency attached by ClinVar (database versions not stated): 1000 Genomes Project 0.00060; 1000 Genomes Project 30x 0.00078; ExAC 0.00097; ESP Exome Variant Server 0.00115; gnomAD 0.00115 and 0.00124; gnomAD exomes 0.00117 and 0.00149; TOPMed 0.00130.
gnomAD v4.1: 2,367 of 1,612,042 alleles (0.15%); highest among the groups gnomAD compares: Non-Finnish European, 0.17%; 4 homozygotes.

Submissions (11):

CeGaT Center for Human Genetics Tuebingen
Classification: Likely benign. Last evaluated: 2026-09-01. Review status: criteria provided, single submitter. Criteria: CeGaT Center For Human Genetics Tuebingen Variant Classification Criteria Version 2. Collection method: clinical testing. Allele origin: germline. Affected: yes. Observed: 9 variant alleles.
Comment: SMC3: BP4, BS1

Labcorp Genetics (formerly Invitae), Labcorp
Classification: Benign for Cornelia de Lange syndrome 3. Last evaluated: 2026-01-15. Review status: criteria provided, single submitter. Criteria: Invitae Variant Classification Sherloc (09022015). Collection method: clinical testing. Allele origin: germline.

Blueprint Genetics
Classification: Likely benign. Last evaluated: 2024-11-20. Review status: criteria provided, single submitter. Criteria: ACMG Guidelines, 2015. Collection method: clinical testing. Allele origin: germline.

Fulgent Genetics
Classification: Likely benign for Cornelia de Lange syndrome 3. Last evaluated: 2021-08-31. Review status: criteria provided, single submitter. Criteria: ACMG Guidelines, 2015. Collection method: clinical testing. Allele origin: unknown.

Athena Diagnostics
Classification: Benign. Last evaluated: 2021-01-20. Review status: criteria provided, single submitter. Criteria: Athena Diagnostics criteria. Collection method: clinical testing. Allele origin: unknown.

GeneDx
Classification: Likely benign. Last evaluated: 2019-03-05. Review status: criteria provided, single submitter. Criteria: GeneDx Variant Classification Process June 2021. Collection method: clinical testing. Allele origin: germline. Affected: yes.

Illumina Laboratory Services, Illumina
Classification: Benign for Cornelia de Lange syndrome 3. Last evaluated: 2018-01-12. Review status: criteria provided, single submitter. Criteria: ICSL Variant Classification Criteria 13 December 2019. Collection method: clinical testing. Allele origin: germline.
Comment: This variant was observed in the ICSL laboratory as part of a predisposition screen in an ostensibly healthy population. It had not been previously curated by ICSL or reported in the Human Gene Mutation Database (HGMD: prior to June 1st, 2018), and was therefore a candidate for classification through an automated scoring system. Utilizing variant allele frequency, disease prevalence and penetrance estimates, and inheritance mode, an automated score was calculated to assess if this variant is too frequent to cause the disease. Based on the score and internal cut-off values, a variant classified as benign is not then subjected to further curation. The score for this variant resulted in a classification of benign for this disease.

Eurofins Ntd Llc (ga)
Classification: Likely benign. Last evaluated: 2017-06-12. Review status: criteria provided, single submitter. Criteria: EGL Classification Definitions 2015. Collection method: clinical testing. Allele origin: germline. Observed: 1 variant allele, 1 heterozygote.

Breakthrough Genomics
Classification: Likely benign. Review status: criteria provided, single submitter. Criteria: ACMG Guidelines, 2015. Collection method: not provided. Allele origin: germline. Inheritance: Autosomal dominant inheritance. Affected: yes.

Clinical Genetics DNA and cytogenetics Diagnostics Lab, Erasmus MC, Erasmus Medical Center
Classification: Likely benign. Review status: no assertion criteria provided. Collection method: clinical testing. Allele origin: germline. Affected: yes. Study: VKGL Data-share Consensus. Not counted in ClinVar's aggregate classification.

Laboratory of Diagnostic Genome Analysis, Leiden University Medical Center (LUMC)
Classification: Likely benign. Review status: no assertion criteria provided. Collection method: clinical testing. Allele origin: germline. Affected: yes. Study: VKGL Data-share Consensus. Not counted in ClinVar's aggregate classification.

NM_005445.4(SMC3):c.1671-6A>G

Gene: SMC3 (structural maintenance of chromosomes 3; plus strand). Cytogenetic location: 10q25.2.
Variant type: single nucleotide variant.
Coding change: c.1671-6A>G on transcript NM_005445.4 (MANE Select); 6 bases into the intron before coding-DNA position 1671, A replaced by G.
Molecular consequence: intron variant.
Genome position (GRCh38, 1-based): chr10:110,590,985, A>G. VCF-style: chr10-110590985-A-G. GRCh37 (hg19) VCF-style: chr10-112350743-A-G.
Identifiers: ClinVar variation 298769 (VCV000298769.54), dbSNP rs200848781, ClinGen allele CA5688030.
Genomic context (GRCh38, chr10:110,590,985, plus strand): 5'-AAGTTTGGGCAACATAGGGAGACCCTGAGTACCAATAAAGATTTGTCTTACTCTGTTTAT[A>G]TTTAGGTTATTTTATCACATTGTTGATTCAGATGAAGTCAGCACGAAGATTTTAATGGAG-3'